The following is an entry in ClinVar:

ClinVar aggregate classification (germline): Uncertain significance. Review status: criteria provided, multiple submitters, no conflicts (2 of 4 stars). 2 submissions from 2 submitters: Uncertain significance (2). Last evaluated 2025-07-08.

Conditions:
Malignant hyperthermia, susceptibility to, 5 (MHS5). Also called: CACNA1S-Related Malignant Hyperthermia Susceptibility. Identifiers: Orphanet 423, MedGen C1866077, MONDO:0011163, OMIM 601887.

Submissions (2):

Color Diagnostics, LLC DBA Color Health
Classification: Uncertain significance for Malignant hyperthermia, susceptibility to, 5. Last evaluated: 2025-07-08. Review status: criteria provided, single submitter. Criteria: ACMG Guidelines, 2015. Collection method: clinical testing. Allele origin: germline.
Comment: This missense variant replaces lysine with asparagine at codon 688 of the CACNA1S protein. Computational prediction suggests that this variant may not impact protein structure and function. To our knowledge, functional studies have not been reported for this variant. This variant has not been reported in individuals affected with CACNA1S-related disorders in the literature. This variant has not been identified in the general population by the Genome Aggregation Database (gnomAD). The available evidence is insufficient to determine the role of this variant in disease conclusively. Therefore, this variant is classified as a Variant of Uncertain Significance.

All of Us Research Program, National Institutes of Health
Classification: Uncertain significance for Malignant hyperthermia, susceptibility to, 5. Last evaluated: 2023-04-03. Review status: criteria provided, single submitter. Criteria: ACMG Guidelines, 2015. Collection method: clinical testing. Allele origin: germline. Inheritance: Autosomal dominant inheritance. Observed: 1 variant allele, 1 heterozygote.
Comment: This missense variant replaces lysine with asparagine at codon 688 of the CACNA1S protein. Computational prediction suggests that this variant may not impact protein structure and function (internally defined REVEL score threshold <= 0.5, PMID: 27666373). To our knowledge, functional studies have not been reported for this variant. This variant has not been reported in individuals affected with CACNA1S-related disorders in the literature. This variant has not been identified in the general population by the Genome Aggregation Database (gnomAD). The available evidence is insufficient to determine the role of this variant in disease conclusively. Therefore, this variant is classified as a Variant of Uncertain Significance.

This study involves interpretation of variants in research participants for the purpose of population health screening. Participant phenotype was not available at the time of variant classification. Additional details can be found in publication PMID: 35346344, PMCID: PMC8962531

NM_000069.3(CACNA1S):c.2064G>C (p.Lys688Asn)

Gene: CACNA1S (calcium voltage-gated channel subunit alpha1 S; minus strand). Cytogenetic location: 1q32.1.
Variant type: single nucleotide variant.
Coding change: c.2064G>C on transcript NM_000069.3 (MANE Select); coding-DNA position 2064, G replaced by C.
Protein change: p.Lys688Asn; replaces lysine 688 with asparagine.
Molecular consequence: missense variant.
Genome position (GRCh38, 1-based): chr1:201,073,642, C>G on the plus strand (G>C on the coding strand, the complement: CACNA1S is on the minus strand). VCF-style: chr1-201073642-C-G. GRCh37 (hg19) VCF-style: chr1-201042770-C-G.
Other names: short protein forms K688N.
Identifiers: ClinVar variation 3070247 (VCV003070247.2), dbSNP rs1661498791, ClinGen allele CA344113973.